The following is an entry in ClinVar:

ClinVar aggregate classification (germline): Uncertain significance. Review status: criteria provided, multiple submitters, no conflicts (2 of 4 stars). 2 submissions from 2 submitters: Uncertain significance (2). Last evaluated 2024-02-17.

Allele frequency attached by ClinVar (database versions not stated): ExAC 0.00001; gnomAD 0.00002; TOPMed 0.00001; gnomAD exomes 0.00002.
gnomAD v4.1: 29 of 1,614,042 alleles (0.0018%); highest among the groups gnomAD compares: Non-Finnish European, 0.0023%; no homozygotes.

Submissions (2):

Labcorp Genetics (formerly Invitae), Labcorp
Classification: Uncertain significance. Last evaluated: 2024-02-17. Review status: criteria provided, single submitter. Criteria: Invitae Variant Classification Sherloc (09022015). Collection method: clinical testing. Allele origin: germline.
Comment: This sequence change replaces phenylalanine, which is neutral and non-polar, with cysteine, which is neutral and slightly polar, at codon 736 of the MICAL1 protein (p.Phe736Cys). This variant is present in population databases (rs764837002, gnomAD 0.002%). This variant has not been reported in the literature in individuals affected with MICAL1-related conditions. ClinVar contains an entry for this variant (Variation ID: 2071785). An algorithm developed to predict the effect of missense changes on protein structure and function (PolyPhen-2) suggests that this variant is likely to be disruptive. In summary, the available evidence is currently insufficient to determine the role of this variant in disease. Therefore, it has been classified as a Variant of Uncertain Significance.

Ambry Genetics
Classification: Uncertain significance. Last evaluated: 2023-12-21. Review status: criteria provided, single submitter. Criteria: Ambry Variant Classification Scheme 2023. Collection method: clinical testing. Allele origin: germline.

NM_022765.4(MICAL1):c.2150T>G (p.Phe717Cys)

Gene: MICAL1 (microtubule associated monooxygenase, calponin and LIM domain containing 1; minus strand). Cytogenetic location: 6q21.
Variant type: single nucleotide variant.
Coding change: c.2150T>G on transcript NM_022765.4 (MANE Select); coding-DNA position 2150, T replaced by G.
Protein change: p.Phe717Cys; replaces phenylalanine 717 with cysteine.
Molecular consequence: missense variant.
Genome position (GRCh38, 1-based): chr6:109,447,150, A>C on the plus strand (T>G on the coding strand, the complement: MICAL1 is on the minus strand). VCF-style: chr6-109447150-A-C. GRCh37 (hg19) VCF-style: chr6-109768353-A-C.
Other names: c.1892T>G, p.Phe631Cys (NM_001159291.2); c.2207T>G, p.Phe736Cys (NM_001286613.2); c.2150T>G (NM_022765.3); short protein forms F631C, F736C, F717C.
Identifiers: ClinVar variation 2071785 (VCV002071785.5), dbSNP rs764837002, ClinGen allele CA3953045.